The following is an entry in ClinVar:

NM_000260.4(MYO7A):c.2759G>A (p.Arg920Gln)

Gene: MYO7A (myosin VIIA; plus strand). Cytogenetic location: 11q13.5.
Variant type: single nucleotide variant.
Coding change: c.2759G>A on transcript NM_000260.4 (MANE Select); coding-DNA position 2759, G replaced by A.
Protein change: p.Arg920Gln; replaces arginine 920 with glutamine.
Molecular consequence: missense variant.
Genome position (GRCh38, 1-based): chr11:77,181,444, G>A. VCF-style: chr11-77181444-G-A. GRCh37 (hg19) VCF-style: chr11-76892490-G-A.
Other names: c.2759G>A, p.Arg920Gln (NM_001127180.2); c.2726G>A, p.Arg909Gln (NM_001369365.1); short protein forms R920Q, R909Q.
Identifiers: ClinVar variation 306180 (VCV000306180.13), dbSNP rs565162134, ClinGen allele CA6197927.
Genomic context (GRCh38, chr11:77,181,444, plus strand): 5'-GCCTGGCCCAGCTGGCTCGTGAGGACGCTGAGCGGGAGCTGAAGGAGAAGGAGGCCGCTC[G>A]GCGGAAGAAGGAGCTCCTGGAGCAGATGGAAAGGGCCCGCCATGAGCCTGTCAATCACTC-3'
Protein context (NP_000251.3, residues 910-930): ERELKEKEAA[Arg920Gln]RKKELLEQME

ClinVar aggregate classification (germline): Uncertain significance. Review status: criteria provided, multiple submitters, no conflicts (2 of 4 stars). 2 submissions from 2 submitters: Uncertain significance (2). Last evaluated 2025-04-17.

Conditions:
MYO7A-related disorder. Also called: MYO7A-related disorders.

Allele frequency attached by ClinVar (database versions not stated): TOPMed 0.00001; 1000 Genomes Project 0.00020; 1000 Genomes Project 30x 0.00031.

Submissions (2):

PreventionGenetics, part of Exact Sciences
Classification: Uncertain significance for MYO7A-related condition. Last evaluated: 2025-04-17. Review status: criteria provided, single submitter. Criteria: ACMG Guidelines, 2015. Collection method: clinical testing. Allele origin: germline.
Comment: The MYO7A c.2759G>A variant is predicted to result in the amino acid substitution p.Arg920Gln. To our knowledge, this variant has not been reported in the literature. This variant is reported in 0.011% of alleles in individuals of East Asian descent in gnomAD. At this time, the clinical significance of this variant is uncertain due to the absence of conclusive functional and genetic evidence.

Labcorp Genetics (formerly Invitae), Labcorp
Classification: Uncertain significance. Last evaluated: 2025-04-16. Review status: criteria provided, single submitter. Criteria: Invitae Variant Classification Sherloc (09022015). Collection method: clinical testing. Allele origin: germline.
Comment: This sequence change replaces arginine, which is basic and polar, with glutamine, which is neutral and polar, at codon 920 of the MYO7A protein (p.Arg920Gln). This variant is present in population databases (rs565162134, gnomAD 0.006%). This variant has not been reported in the literature in individuals affected with MYO7A-related conditions. ClinVar contains an entry for this variant (Variation ID: 306180). Invitae Evidence Modeling of protein sequence and biophysical properties (such as structural, functional, and spatial information, amino acid conservation, physicochemical variation, residue mobility, and thermodynamic stability) indicates that this missense variant is not expected to disrupt MYO7A protein function with a negative predictive value of 95%. In summary, the available evidence is currently insufficient to determine the role of this variant in disease. Therefore, it has been classified as a Variant of Uncertain Significance.